The following is an entry in ClinVar:

ClinVar aggregate classification (germline): Uncertain significance (1 of 4 stars; one submission).

Submission:

Ambry Genetics
Classification: Uncertain significance. Last evaluated: 2025-02-17. Review status: criteria provided, single submitter. Criteria: Ambry Variant Classification Scheme 2023. Collection method: clinical testing. Allele origin: germline.
Comment: The p.N926I variant (also known as c.2777A>T), located in coding exon 1 of the TET2 gene, results from an A to T substitution at nucleotide position 2777. The asparagine at codon 926 is replaced by isoleucine, an amino acid with dissimilar properties. This amino acid position is conserved. In addition, this alteration is predicted to be tolerated by in silico analysis. Based on the available evidence, the clinical significance of this variant remains unclear.

NM_001127208.3(TET2):c.2777A>T (p.Asn926Ile)

Genes: TET2 (tet methylcytosine dioxygenase 2; plus strand), TET2-AS1 (TET2 antisense RNA 1; minus strand). Cytogenetic location: 4q24.
Variant type: single nucleotide variant.
Coding change: c.2777A>T on transcript NM_001127208.3 (MANE Select); coding-DNA position 2777, A replaced by T.
Protein change: p.Asn926Ile; replaces asparagine 926 with isoleucine.
Molecular consequence: missense variant.
Genome position (GRCh38, 1-based): chr4:105,236,719, A>T. VCF-style: chr4-105236719-A-T. GRCh37 (hg19) VCF-style: chr4-106157876-A-T.
Other names: c.2777A>T, p.Asn926Ile (NM_017628.4); short protein forms N926I.
Identifiers: ClinVar variation 3806071 (VCV003806071.1).